The following is an entry in ClinVar:

NM_000077.5(CDKN2A):c.143C>T (p.Pro48Leu)

Gene: CDKN2A (cyclin dependent kinase inhibitor 2A; minus strand). Cytogenetic location: 9p21.3.
Variant type: single nucleotide variant.
Coding change: c.143C>T on transcript NM_000077.5; coding-DNA position 143, C replaced by T.
Protein change: p.Pro48Leu; replaces proline 48 with leucine.
Molecular consequence: missense variant (on NM_000077.6). On other transcripts: intron variant (2).
Genome position (GRCh38, 1-based): chr9:21,974,685, G>A on the plus strand (C>T on the coding strand, the complement: CDKN2A is on the minus strand). VCF-style: chr9-21974685-G-A. GRCh37 (hg19) VCF-style: chr9-21974684-G-A.
Other names: c.143C>T, p.Pro48Leu (NM_000077.6, NM_001195132.2, NM_058197.5); c.-3-3477C>T (NM_001363763.2); c.194-3477C>T (NM_058195.4); short protein forms P48L.
Identifiers: ClinVar variation 2625888 (VCV002625888.7), dbSNP rs763804037, ClinGen allele CA373086485.

ClinVar aggregate classification (germline): Pathogenic/Likely pathogenic. Review status: criteria provided, multiple submitters, no conflicts (2 of 4 stars). 2 submissions from 2 submitters: Pathogenic (1); Likely pathogenic (1). Last evaluated 2025-10-21.
ClinVar aggregate classification (somatic clinical impact): Tier I - Strong (1 of 4 stars; one submission).

Conditions:
Familial melanoma. Also called: Hereditary melanoma; Hereditary cutaneous melanoma. Identifiers: Orphanet 618, MedGen C1512419, MONDO:0018961.
Hereditary cancer-predisposing syndrome. Also called: Tumor predisposition; Neoplastic Syndromes, Hereditary; Hereditary Cancer Syndrome; Hereditary neoplastic syndrome. Identifiers: Orphanet 140162, MedGen C0027672, MeSH D009386, MONDO:0015356.
Melanoma. Identifiers: MedGen C0025202, MeSH D008545, MONDO:0005105, HP:0002861.

Submissions (3):

Ambry Genetics
Classification: Likely pathogenic for Hereditary cancer-predisposing syndrome. Last evaluated: 2025-10-21. Review status: criteria provided, single submitter. Criteria: Ambry Variant Classification Scheme 2023. Collection method: clinical testing. Allele origin: germline.
Comment: The p.P48L variant (also known as c.143C>T), located in coding exon 1 of the CDKN2A gene, results from a C to T substitution at nucleotide position 143. The proline at codon 48 is replaced by leucine, an amino acid with similar properties. This variant was reported in individual(s) with features consistent with CDKN2A-related melanoma pancreatic cancer syndrome, and was shown to segregate with disease in at least one family (Platz A et al. J Natl Cancer Inst. 1997 May;89:697-702; Helgadottir H et al. J Natl Cancer Inst. 2016 Nov;108; Taylor NJ et al. J Invest Dermatol. 2017 Dec;137:2606-2612; Ambry internal data). The p.P48L variant consistently demonstrated reduced binding or impaired CDK4/6 kinase activity, and a loss of the ability to induce cell cycle arrest across multiple functional studies (Hashemi J et al. Melanoma Res. 1999 Feb;9:21-30; Yarbrough WG et al. J Natl Cancer Inst. 1999 Sep;91:1569-74; Ruas M et al. Oncogene. 1999 Sep;18:5423-34). Another alteration at the same codon, p.P48T (c.142C>A), has been described in multiple individuals with histories of cutaneous melanoma and/or pancreatic cancer (Moore PS et al. Hum Mutat, 2000 Nov;16:447-8; Foppiani L et al. Eur J Endocrinol. 2008 Mar;158:417-22; Menin C et al. Pigment Cell Melanoma Res. 2011 Aug;24:728-30; de &Aacute;vila AL et al. Fam Cancer. 2014 Dec;13:645-9; Bruno W et al. J Am Acad Dermatol. 2016 Feb;74:325-32; Puig S et al. Genet Med. 2016 07;18:727-36). This variant is considered to be rare based on population cohorts in the Genome Aggregation Database (gnomAD). This amino acid position is not well conserved in available vertebrate species. In addition, this alteration is predicted to be deleterious by in silico analysis. Based on the majority of available evidence to date, this variant is likely to be pathogenic.

Institute for Genomic Medicine (IGM) Clinical Laboratory, Nationwide Children's Hospital
Classification: Tier I - Strong for Melanoma. Assertion type: diagnostic. Clinical significance: supports diagnosis. Last evaluated: 2025-06-09. Review status: criteria provided, single submitter. Criteria: AMP/ASCO/CAP Guidelines, 2017. Collection method: clinical testing. Allele origin: somatic. Affected: yes.
Comment: Variant has Tier I (strong) clinical significance as a diagnostic inclusion criterion in melanoma, based on the following evidence: 1) Documented in one or more cancer databases (e.g., St. Jude Pecan, COSMIC, CIViC, OncoKB). 2) Appears in one or more well-established professional guidelines (e.g., World Health Organization [WHO]; National Comprehensive Cancer Network [NCCN]) as providing diagnostic, prognostic, or therapeutic information. 3) Information in the literature supports potential biologic effect of variant (PMID: 10491434). 4) Diagnostic for a specific tumor type/classification based on well-powered studies with expert-level consensus (Evidence Level B; PMIDs: 28467829, 22817889, 25268584).

Labcorp Genetics (formerly Invitae), Labcorp
Classification: Pathogenic for Familial melanoma. Last evaluated: 2022-12-31. Review status: criteria provided, single submitter. Criteria: Invitae Variant Classification Sherloc (09022015). Collection method: clinical testing. Allele origin: germline.
Comment: For these reasons, this variant has been classified as Pathogenic. This variant disrupts the p.Pro48 amino acid residue in CDKN2A (p16INK4a). Other variant(s) that disrupt this residue have been determined to be pathogenic (PMID: 11556834, 21462282). This suggests that this residue is clinically significant, and that variants that disrupt this residue are likely to be disease-causing. Experimental studies have shown that this missense change affects CDKN2A (p16INK4a) function (PMID: 10491434). Algorithms developed to predict the effect of missense changes on protein structure and function are either unavailable or do not agree on the potential impact of this missense change (SIFT: "Deleterious"; PolyPhen-2: "Probably Damaging"; Align-GVGD: "Class C0"). This missense change has been observed in individual(s) with Familial cutaneous melanoma (PMID: 9168184, 10338331, 21462282). It has also been observed to segregate with disease in related individuals. This variant is not present in population databases (gnomAD no frequency). This sequence change replaces proline, which is neutral and non-polar, with leucine, which is neutral and non-polar, at codon 48 of the CDKN2A (p16INK4a) protein (p.Pro48Leu).

Literature cited by the submitters: PubMed 10338331 (cited by Ambry Genetics and Labcorp Genetics (formerly Invitae), Labcorp); PubMed 10491434 (cited by 3 submitters); PubMed 10498896 (cited by Ambry Genetics); PubMed 27287845 (cited by Ambry Genetics); PubMed 28830827 (cited by Ambry Genetics); PubMed 9168184 (cited by Ambry Genetics and Labcorp Genetics (formerly Invitae), Labcorp); PubMed 28467829 (cited by Institute for Genomic Medicine (IGM) Clinical Laboratory, Nationwide Children's Hospital); PubMed 22817889 (cited by Institute for Genomic Medicine (IGM) Clinical Laboratory, Nationwide Children's Hospital); PubMed 25268584 (cited by Institute for Genomic Medicine (IGM) Clinical Laboratory, Nationwide Children's Hospital); PubMed 11556834 (cited by Labcorp Genetics (formerly Invitae), Labcorp); PubMed 21462282 (cited by Labcorp Genetics (formerly Invitae), Labcorp).